The following is an entry in ClinVar:

NM_000361.3(THBD):c.970G>A (p.Glu324Lys)

Gene: THBD (thrombomodulin; minus strand). Cytogenetic location: 20p11.21.
Variant type: single nucleotide variant.
Coding change: c.970G>A on transcript NM_000361.3 (MANE Select); coding-DNA position 970, G replaced by A.
Protein change: p.Glu324Lys; replaces glutamic acid 324 with lysine.
Molecular consequence: missense variant.
Genome position (GRCh38, 1-based): chr20:23,048,535, C>T on the plus strand (G>A on the coding strand, the complement: THBD is on the minus strand). VCF-style: chr20-23048535-C-T. GRCh37 (hg19) VCF-style: chr20-23029172-C-T.
Other names: short protein forms E324K.
Identifiers: ClinVar variation 1993247 (VCV001993247.4), dbSNP rs756320373, ClinGen allele CA9787650.

ClinVar aggregate classification (germline): Uncertain significance (1 of 4 stars; one submission).

Allele frequency attached by ClinVar (database versions not stated): gnomAD exomes below 0.00001; TOPMed below 0.00001; ExAC 0.00001; gnomAD 0.00001.

Submission:

Labcorp Genetics (formerly Invitae), Labcorp
Classification: Uncertain significance. Last evaluated: 2024-10-28. Review status: criteria provided, single submitter. Criteria: Invitae Variant Classification Sherloc (09022015). Collection method: clinical testing. Allele origin: germline.
Comment: This sequence change replaces glutamic acid, which is acidic and polar, with lysine, which is basic and polar, at codon 324 of the THBD protein (p.Glu324Lys). This variant is present in population databases (rs756320373, gnomAD 0.0009%). This variant has not been reported in the literature in individuals affected with THBD-related conditions. ClinVar contains an entry for this variant (Variation ID: 1993247). Invitae Evidence Modeling of protein sequence and biophysical properties (such as structural, functional, and spatial information, amino acid conservation, physicochemical variation, residue mobility, and thermodynamic stability) indicates that this missense variant is not expected to disrupt THBD protein function with a negative predictive value of 80%. In summary, the available evidence is currently insufficient to determine the role of this variant in disease. Therefore, it has been classified as a Variant of Uncertain Significance.